The following is an entry in ClinVar:

ClinVar aggregate classification (germline): Likely pathogenic. Review status: criteria provided, multiple submitters, no conflicts (2 of 4 stars). 4 submissions from 4 submitters: Likely pathogenic (3). 1 of the submissions does not count toward it. Last evaluated 2024-05-24.

Conditions:
Epidermolysis bullosa, junctional 2A, intermediate. Also called: EPIDERMOLYSIS BULLOSA, JUNCTIONAL 2A, GENERALIZED INTERMEDIATE; EPIDERMOLYSIS BULLOSA, JUNCTIONAL 2A, NON-HERLITZ TYPE. Identifiers: MedGen C5676936, MONDO:0030746, OMIM 619783.
Laryngo-onycho-cutaneous syndrome (JEB2C). Also called: EPIDERMOLYSIS BULLOSA, JUNCTIONAL 2C, LARYNGOONYCHOCUTANEOUS; LOGIC SYNDROME; SHABBIR SYNDROME. Identifiers: Orphanet 2407, MedGen C1328355, MONDO:0009513, OMIM 245660.
Epidermolysis bullosa, junctional 2B, severe. Also called: EPIDERMOLYSIS BULLOSA, JUNCTIONAL 2B, GENERALIZED SEVERE; EPIDERMOLYSIS BULLOSA, JUNCTIONAL 2B, HERLITZ TYPE. Identifiers: MedGen C5676937, MONDO:0030747, OMIM 619784.
Junctional epidermolysis bullosa gravis of Herlitz. Also called: EPIDERMOLYSIS BULLOSA JUNCTIONALIS, HERLITZ TYPE; EPIDERMOLYSIS BULLOSA, JUNCTIONAL, HERLITZ-PEARSON TYPE; EPIDERMOLYSIS BULLOSA, JUNCTIONAL 1B, SEVERE; JEB-HERLITZ TYPE; Herlitz-type junctional epidermolysis bullosa; Epidermolysis Bullosa Letalis. Identifiers: Orphanet 79404, MedGen C0079683, MONDO:0009182, OMIM 226700.

Allele frequency attached by ClinVar (database versions not stated): gnomAD exomes below 0.00001; TOPMed below 0.00001.
gnomAD v4.1: 6 of 1,590,074 alleles (0.00038%); highest among the groups gnomAD compares: South Asian, 0.0011%; no homozygotes.

Submissions (4):

Fulgent Genetics
Classification: Likely pathogenic for Laryngo-onycho-cutaneous syndrome; Epidermolysis bullosa, junctional 2A, intermediate; Epidermolysis bullosa, junctional 2B, severe. Last evaluated: 2024-05-24. Review status: criteria provided, single submitter. Criteria: ACMG Guidelines, 2015. Collection method: clinical testing. Allele origin: germline.

Laboratory of Medical Genetics, National & Kapodistrian University of Athens
Classification: Likely pathogenic for Epidermolysis bullosa, junctional 2A, intermediate. Last evaluated: 2024-02-01. Review status: criteria provided, single submitter. Criteria: ACMG Guidelines, 2015. Collection method: curation. Allele origin: germline. Affected: no.

Labcorp Genetics (formerly Invitae), Labcorp
Classification: Likely pathogenic. Last evaluated: 2020-10-19. Review status: criteria provided, single submitter. Criteria: Invitae Variant Classification Sherloc (09022015). Collection method: clinical testing. Allele origin: germline.
Comment: This sequence change affects a donor splice site in intron 2 of the LAMA3 gene. It is expected to disrupt RNA splicing and likely results in an absent or disrupted protein product. This variant is not present in population databases (ExAC no frequency). This variant has not been reported in the literature in individuals with LAMA3-related conditions. ClinVar contains an entry for this variant (Variation ID: 552993). Donor and acceptor splice site variants typically lead to a loss of protein function (PMID: 16199547), and loss-of-function variants in LAMA3 are known to be pathogenic (PMID: 10366601, 11810295, 12915477, 16473856, 17362460, 23869449, 28087116). In summary, the currently available evidence indicates that the variant is pathogenic, but additional data are needed to prove that conclusively. Therefore, this variant has been classified as Likely Pathogenic.

Counsyl
Classification: Likely pathogenic for Junctional epidermolysis bullosa gravis of Herlitz. Last evaluated: 2017-10-06. Review status: no assertion criteria provided. Collection method: clinical testing. Allele origin: unknown. Not counted in ClinVar's aggregate classification.

Literature cited by the submitters: PubMed 16199547 (cited by Labcorp Genetics (formerly Invitae), Labcorp); PubMed 10366601 (cited by Labcorp Genetics (formerly Invitae), Labcorp); PubMed 11810295 (cited by Labcorp Genetics (formerly Invitae), Labcorp); PubMed 12915477 (cited by Labcorp Genetics (formerly Invitae), Labcorp); PubMed 16473856 (cited by Labcorp Genetics (formerly Invitae), Labcorp); PubMed 17362460 (cited by Labcorp Genetics (formerly Invitae), Labcorp); PubMed 23869449 (cited by Labcorp Genetics (formerly Invitae), Labcorp); PubMed 28087116 (cited by Labcorp Genetics (formerly Invitae), Labcorp).

NM_198129.4(LAMA3):c.5112+1G>A

Gene: LAMA3 (laminin subunit alpha 3; plus strand). Cytogenetic location: 18q11.2.
Variant type: single nucleotide variant.
Coding change: c.5112+1G>A on transcript NM_198129.4 (MANE Select); the canonical splice donor site of the intron after coding-DNA position 5112, G replaced by A.
Molecular consequence: splice donor variant.
Genome position (GRCh38, 1-based): chr18:23,876,408, G>A. VCF-style: chr18-23876408-G-A. GRCh37 (hg19) VCF-style: chr18-21456372-G-A.
Other names: c.5112+1G>A (NM_001127717.4); c.285+1G>A (NM_000227.6, NM_001127718.4).
Identifiers: ClinVar variation 552993 (VCV000552993.12), dbSNP rs1057517023, ClinGen allele CA402045096.